The following is an entry in ClinVar:

NM_001165963.4(SCN1A):c.4453A>C (p.Asn1485His)

Genes: SCN1A (sodium voltage-gated channel alpha subunit 1; minus strand), LOC102724058 (uncharacterized LOC102724058; plus strand). Cytogenetic location: 2q24.3.
Variant type: single nucleotide variant.
Coding change: c.4453A>C on transcript NM_001165963.4 (MANE Select); coding-DNA position 4453, A replaced by C.
Protein change: p.Asn1485His; replaces asparagine 1485 with histidine.
Molecular consequence: missense variant. On other transcripts: non-coding transcript variant (1).
Genome position (GRCh38, 1-based): chr2:165,998,061, T>G on the plus strand (A>C on the coding strand, the complement: SCN1A is on the minus strand). VCF-style: chr2-165998061-T-G. GRCh37 (hg19) VCF-style: chr2-166854571-T-G.
Other names: c.4369A>C, p.Asn1457His (NM_001165964.3, NM_001353957.2, NM_001353958.2); c.4453A>C, p.Asn1485His (NM_001202435.3, NM_001353948.2); c.4420A>C, p.Asn1474His (NM_001353949.2, NM_001353950.2, NM_001353951.2 and 2 more transcripts); c.4417A>C, p.Asn1473His (NM_001353954.2, NM_001353955.2); c.4366A>C, p.Asn1456His (NM_001353960.2); c.2011A>C, p.Asn671His (NM_001353961.2); short protein forms N1457H, N1474H, N1485H, N671H, N1456H, N1473H.
Identifiers: ClinVar variation 5010172 (VCV005010172.1).

ClinVar aggregate classification (germline): Likely pathogenic (1 of 4 stars; one submission).

Conditions:
Severe myoclonic epilepsy in infancy (DRVT). Also called: SEVERE MYOCLONIC EPILEPSY OF INFANCY; Dravet syndrome; Epileptic encephalopathy, early infantile, 6 (Dravet syndrome); DEVELOPMENTAL AND EPILEPTIC ENCEPHALOPATHY 6A; Severe Myoclonic Epilepsy in Infancy (SMEI). Identifiers: Orphanet 33069, MedGen C0751122, MONDO:0100135, OMIM 607208.

Submission:

MVZ Medizinische Genetik Mainz
Classification: Likely pathogenic for Severe myoclonic epilepsy in infancy. Last evaluated: 2026-09-08. Review status: criteria provided, single submitter. Criteria: UK Practice Guidelines For Variant Classification V4 01 2020. Collection method: clinical testing. Allele origin: germline. Inheritance: Autosomal dominant inheritance. Affected: yes. Observed: 1 variant allele.
Comment: ACMG Criteria: PS4_MOD,PM1,PP3_MOD,PM2_SUP,PM5_SUP